The following is an entry in ClinVar:

ClinVar aggregate classification (germline): Uncertain significance (0 of 4 stars; one submission).

Conditions:
ZBTB7A-related disorder. Also called: ZBTB7A-related condition.

Submission:

PreventionGenetics, part of Exact Sciences
Classification: Uncertain significance for ZBTB7A-related condition. Last evaluated: 2023-10-20. Review status: no assertion criteria provided. Collection method: clinical testing. Allele origin: germline.
Comment: The ZBTB7A c.582C>G variant is predicted to result in the amino acid substitution p.Asp194Glu. To our knowledge, this variant has not been reported in the literature or in a large population database, indicating this variant is rare. At this time, the clinical significance of this variant is uncertain due to the absence of conclusive functional and genetic evidence.

NM_015898.4(ZBTB7A):c.582C>G (p.Asp194Glu)

Gene: ZBTB7A (zinc finger and BTB domain containing 7A; minus strand). Cytogenetic location: 19p13.3.
Variant type: single nucleotide variant.
Coding change: c.582C>G on transcript NM_015898.4 (MANE Select); coding-DNA position 582, C replaced by G.
Protein change: p.Asp194Glu; replaces aspartic acid 194 with glutamic acid.
Molecular consequence: missense variant.
Genome position (GRCh38, 1-based): chr19:4,054,651, G>C on the plus strand (C>G on the coding strand, the complement: ZBTB7A is on the minus strand). VCF-style: chr19-4054651-G-C. GRCh37 (hg19) VCF-style: chr19-4054649-G-C.
Other names: c.582C>G, p.Asp194Glu (NM_001317990.2); short protein forms D194E.
Identifiers: ClinVar variation 3029859 (VCV003029859.2), dbSNP rs1410611113, ClinGen allele CA403367064.